The following is an entry in ClinVar:

ClinVar aggregate classification (germline): Uncertain significance (1 of 4 stars; one submission).

Submission:

Labcorp Genetics (formerly Invitae), Labcorp
Classification: Uncertain significance. Last evaluated: 2025-09-14. Review status: criteria provided, single submitter. Criteria: Invitae Variant Classification Sherloc (09022015). Collection method: clinical testing. Allele origin: germline.
Comment: This variant, c.421_423del, results in the deletion of 1 amino acid(s) of the SLC9A3R1 protein (p.Asp141del), but otherwise preserves the integrity of the reading frame. This variant is present in population databases (rs745963486, gnomAD 0.009%). This variant has not been reported in the literature in individuals affected with SLC9A3R1-related conditions. Experimental studies and prediction algorithms are not available or were not evaluated, and the functional significance of this variant is currently unknown. In summary, the available evidence is currently insufficient to determine the role of this variant in disease. Therefore, it has been classified as a Variant of Uncertain Significance.

NM_004252.5(NHERF1):c.421_423del (p.Asp141del)

Genes: NHERF1 (NHERF family PDZ scaffold protein 1; plus strand), SLC9A3R1-AS1 (SLC9A3R1 antisense RNA 1; minus strand). Cytogenetic location: 17q25.1.
Variant type: Deletion.
Coding change: c.421_423del on transcript NM_004252.5 (MANE Select); coding-DNA positions 421 to 423, 3 bases deleted (GAC; older notation c.421_423delGAC).
Protein change: p.Asp141del; deletes aspartic acid 141.
Molecular consequence: non-coding transcript variant (on NR_187307.1).
Genome position (GRCh38, 1-based): chr17:74,749,267-74,749,269, GAC deleted; deleting any 3 consecutive bases within chr17:74,749,266-74,749,269 gives the same sequence; the c. name uses the placement nearest the transcript's 3' end. VCF-style (leftmost placement, unchanged base first): chr17-74749265-CCGA-C. GRCh37 (hg19) VCF-style: chr17-72745404-CCGA-C.
Other names: short protein forms D141del.
Identifiers: ClinVar variation 4761985 (VCV004761985.1).